The following is an entry in ClinVar:

ClinVar aggregate classification (germline): Uncertain significance (1 of 4 stars; one submission).

Submission:

Labcorp Genetics (formerly Invitae), Labcorp
Classification: Uncertain significance. Last evaluated: 2024-01-17. Review status: criteria provided, single submitter. Criteria: Invitae Variant Classification Sherloc (09022015). Collection method: clinical testing. Allele origin: germline.
Comment: This sequence change replaces asparagine, which is neutral and polar, with serine, which is neutral and polar, at codon 273 of the MCPH1 protein (p.Asn273Ser). This variant is not present in population databases (gnomAD no frequency). This variant has not been reported in the literature in individuals affected with MCPH1-related conditions. ClinVar contains an entry for this variant (Variation ID: 1461049). Advanced modeling of protein sequence and biophysical properties (such as structural, functional, and spatial information, amino acid conservation, physicochemical variation, residue mobility, and thermodynamic stability) performed at Invitae indicates that this missense variant is not expected to disrupt MCPH1 protein function with a negative predictive value of 80%. In summary, the available evidence is currently insufficient to determine the role of this variant in disease. Therefore, it has been classified as a Variant of Uncertain Significance.

NM_024596.5(MCPH1):c.818A>G (p.Asn273Ser)

Gene: MCPH1 (microcephalin 1; plus strand). Cytogenetic location: 8p23.1.
Variant type: single nucleotide variant.
Coding change: c.818A>G on transcript NM_024596.5 (MANE Select); coding-DNA position 818, A replaced by G.
Protein change: p.Asn273Ser; replaces asparagine 273 with serine.
Molecular consequence: missense variant. On other transcripts: non-coding transcript variant (1).
Genome position (GRCh38, 1-based): chr8:6,444,540, A>G. VCF-style: chr8-6444540-A-G. GRCh37 (hg19) VCF-style: chr8-6302061-A-G.
Other names: c.818A>G, p.Asn273Ser (NM_001172574.2, NM_001322042.2, NM_001363979.1 and 1 more transcripts); c.674A>G, p.Asn225Ser (NM_001172575.2); c.812A>G, p.Asn271Ser (NM_001322043.2); c.716A>G, p.Asn239Ser (NM_001322045.2); short protein forms N225S, N271S, N273S, N239S.
Identifiers: ClinVar variation 1461049 (VCV001461049.6), dbSNP rs2129555606, ClinGen allele CA370219920.